The following is an entry in ClinVar:

ClinVar aggregate classification (germline): Uncertain significance (1 of 4 stars; one submission).

Conditions:
Imerslund-Grasbeck syndrome. Also called: Megaloblastic anemia due to inborn errors of metabolism; ENTEROCYTE COBALAMIN MALABSORPTION; ENTEROCYTE INTRINSIC FACTOR RECEPTOR, DEFECT OF; Imerslund-Gräsbeck syndrome; PERNICIOUS ANEMIA, JUVENILE, DUE TO SELECTIVE INTESTINAL MALABSORPTION OF VITAMIN B12, WITH PROTEINURIA. Identifiers: Orphanet 35858, MedGen C4551825, MONDO:0009853.

Submission:

Labcorp Genetics (formerly Invitae), Labcorp
Classification: Uncertain significance for Imerslund-Grasbeck syndrome. Last evaluated: 2022-12-28. Review status: criteria provided, single submitter. Criteria: Invitae Variant Classification Sherloc (09022015). Collection method: clinical testing. Allele origin: germline.
Comment: In summary, the available evidence is currently insufficient to determine the role of this variant in disease. Therefore, it has been classified as a Variant of Uncertain Significance. Advanced modeling of protein sequence and biophysical properties (such as structural, functional, and spatial information, amino acid conservation, physicochemical variation, residue mobility, and thermodynamic stability) performed at Invitae indicates that this missense variant is not expected to disrupt CUBN protein function. This variant has not been reported in the literature in individuals affected with CUBN-related conditions. This variant is not present in population databases (gnomAD no frequency). This sequence change replaces lysine, which is basic and polar, with methionine, which is neutral and non-polar, at codon 602 of the CUBN protein (p.Lys602Met).

NM_001081.4(CUBN):c.1805A>T (p.Lys602Met)

Gene: CUBN (cubilin; minus strand). Cytogenetic location: 10p13.
Variant type: single nucleotide variant.
Coding change: c.1805A>T on transcript NM_001081.4 (MANE Select); coding-DNA position 1805, A replaced by T.
Protein change: p.Lys602Met; replaces lysine 602 with methionine.
Molecular consequence: missense variant.
Genome position (GRCh38, 1-based): chr10:17,088,306, T>A on the plus strand (A>T on the coding strand, the complement: CUBN is on the minus strand). VCF-style: chr10-17088306-T-A. GRCh37 (hg19) VCF-style: chr10-17130305-T-A.
Other names: short protein forms K602M.
Identifiers: ClinVar variation 2801823 (VCV002801823.3), dbSNP rs2492018226, ClinGen allele CA376152652.